The following is an entry in ClinVar:

ClinVar aggregate classification (germline): Pathogenic. Review status: reviewed by expert panel (3 of 4 stars). 5 submissions from 5 submitters: Pathogenic (1). 4 of the submissions do not count toward it. Last evaluated 2016-09-08.

Conditions:
Hereditary breast ovarian cancer syndrome. Also called: Hereditary breast and ovarian cancer; Hereditary breast and/or ovarian cancer syndrome; BRCA1- and BRCA2-Associated Hereditary Breast and Ovarian Cancer; Hereditary breast and ovarian cancer syndrome; Hereditary breast and ovarian cancer syndrome (HBOC); Breast and ovarian cancer. Identifiers: Orphanet 145, MedGen C0677776, MeSH D061325, MONDO:0003582. Disease mechanism: loss of function.
Breast-ovarian cancer, familial, susceptibility to, 2 (BROVCA2). Also called: BRCA2 Hereditary Breast and Ovarian Cancer. Identifiers: Orphanet 145, MedGen C2675520, MONDO:0012933, OMIM 612555. Disease mechanism: loss of function.

Submissions (5):

Evidence-based Network for the Interpretation of Germline Mutant Alleles (ENIGMA)
Classification: Pathogenic for Breast-ovarian cancer, familial, susceptibility to, 2. Last evaluated: 2016-09-08. Review status: reviewed by expert panel. Criteria: ENIGMA BRCA1/2 Classification Criteria (2015). Collection method: curation. Allele origin: germline.
Comment: Variant allele predicted to encode a truncated non-functional protein.

Institute of Medical Genetics and Applied Genomics, University Hospital Tübingen
Classification: Pathogenic. Last evaluated: 2020-10-23. Review status: criteria provided, single submitter. Criteria: ACMG Guidelines, 2015. Collection method: clinical testing. Allele origin: germline. Inheritance: Autosomal unknown. Affected: yes. Not counted in ClinVar's aggregate classification.

Labcorp Genetics (formerly Invitae), Labcorp
Classification: Pathogenic for Hereditary breast ovarian cancer syndrome. Last evaluated: 2017-12-05. Review status: criteria provided, single submitter. Criteria: Invitae Variant Classification Sherloc (09022015). Collection method: clinical testing. Allele origin: germline. Not counted in ClinVar's aggregate classification.
Comment: This sequence change creates a premature translational stop signal (p.Gly3153Argfs*11) in the BRCA2 gene. It is expected to result in an absent or disrupted protein product. For these reasons, this variant has been classified as Pathogenic. Loss-of-function variants in BRCA2 are known to be pathogenic (PMID: 20104584). This variant has been reported in individuals in the Leiden Open-source Variation Database (PMID: 21520333). ClinVar contains an entry for this variant (Variation ID: 126213). This variant is not present in population databases (ExAC no frequency).

Consortium of Investigators of Modifiers of BRCA1/2 (CIMBA), c/o University of Cambridge
Classification: Pathogenic for Breast-ovarian cancer, familial, susceptibility to, 2. Last evaluated: 2015-10-02. Review status: criteria provided, single submitter. Criteria: CIMBA Mutation Classification guidelines May 2016. Collection method: clinical testing. Allele origin: germline. Not counted in ClinVar's aggregate classification.

Breast Cancer Information Core (BIC) (BRCA2)
Classification: Pathogenic for Breast-ovarian cancer, familial 2. Last evaluated: 2003-12-23. Review status: no assertion criteria provided. Collection method: clinical testing. Allele origin: germline. Affected: yes. Observed: 2 variant alleles. Not counted in ClinVar's aggregate classification.

Literature cited by the submitters: PubMed 20104584 (cited by Labcorp Genetics (formerly Invitae), Labcorp); PubMed 21520333 (cited by Labcorp Genetics (formerly Invitae), Labcorp).

NM_000059.4(BRCA2):c.9455_9456dup (p.Gly3153fs)

Gene: BRCA2 (BRCA2 DNA repair associated; plus strand). Cytogenetic location: 13q13.1.
Variant type: Microsatellite.
Coding change: c.9455_9456dup on transcript NM_000059.4 (MANE Select); coding-DNA positions 9455 to 9456, 2 bases duplicated (AG; older notation c.9455_9456dupAG).
Protein change: p.Gly3153fs; shifts the reading frame from glycine 3153.
Molecular consequence: frameshift variant.
Genome position (GRCh38, 1-based): chr13:32,394,887-32,394,888, AG duplicated; duplicating any 2 consecutive bases within chr13:32,394,885-32,394,888 gives the same sequence; the c. name uses the placement nearest the transcript's 3' end. VCF-style (leftmost placement, unchanged base first): chr13-32394884-A-AAG. GRCh37 (hg19) VCF-style: chr13-32969021-A-AAG.
Other names: 9684insAG; c.9455_9456dupAG (NM_000059.3); short protein forms G3153fs.
Identifiers: ClinVar variation 126213 (VCV000126213.13), dbSNP rs80359764, ClinGen allele CA026165.